The following is an entry in ClinVar:

NM_001002295.2(GATA3):c.838_839dup (p.Gly281fs)

Gene: GATA3 (GATA binding protein 3; plus strand). Cytogenetic location: 10p14.
Variant type: Duplication.
Coding change: c.838_839dup on transcript NM_001002295.2 (MANE Select); coding-DNA positions 838 to 839, 2 bases duplicated (AC; older notation c.838_839dupAC).
Protein change: p.Gly281fs; shifts the reading frame from glycine 281.
Molecular consequence: frameshift variant.
Genome position (GRCh38, 1-based): chr10:8,064,052-8,064,053, AC duplicated; duplicating any 2 consecutive bases within chr10:8,064,051-8,064,053 gives the same sequence; the c. name uses the placement nearest the transcript's 3' end. VCF-style (leftmost placement, unchanged base first): chr10-8064050-G-GCA. GRCh37 (hg19) VCF-style: chr10-8106013-G-GCA.
Other names: c.835_836dup, p.Gly280fs (NM_002051.3); short protein forms G280fs, G281fs.
Identifiers: ClinVar variation 3601134 (VCV003601134.1).

ClinVar aggregate classification (germline): Pathogenic (1 of 4 stars; one submission).

Conditions:
Hypoparathyroidism, deafness, renal disease syndrome (HDRS). Also called: HYPOPARATHYROIDISM, SENSORINEURAL DEAFNESS, AND RENAL DYSPLASIA SYNDROME. Identifiers: Orphanet 2237, MedGen C1840333, MONDO:0007797, OMIM 146255.

Submission:

Institute of Rare Diseases, West China Hospital, Sichuan University
Classification: Pathogenic for Hypoparathyroidism, deafness, renal disease syndrome. Last evaluated: 2025-01-09. Review status: criteria provided, single submitter. Criteria: ClinGen HL ACMG Specifications v1. Collection method: research. Allele origin: germline. Affected: yes.
Comment: PVS1;PS2;PM2_Supporting